The following is an entry in ClinVar:

ClinVar aggregate classification (germline): Benign/Likely benign. Review status: criteria provided, multiple submitters, no conflicts (2 of 4 stars). 4 submissions from 4 submitters: Benign (1); Likely benign (3). Last evaluated 2025-12-13.

Conditions:
Hereditary cancer-predisposing syndrome. Also called: Tumor predisposition; Hereditary neoplastic syndrome; Neoplastic Syndromes, Hereditary; Hereditary Cancer Syndrome. Identifiers: Orphanet 140162, MedGen C0027672, MeSH D009386, MONDO:0015356.
Tuberous sclerosis 2 (TSC2). Identifiers: Orphanet 805, MedGen C1860707, MONDO:0013199, OMIM 613254.
Tuberous sclerosis syndrome (TSC). Also called: Tuberous Sclerosis Complex; Tuberous sclerosis. Identifiers: Orphanet 805, MedGen C0041341, MONDO:0001734.

Allele frequency attached by ClinVar (database versions not stated): gnomAD exomes 0.00002 and 0.00003; ExAC 0.00003.
gnomAD v4.1: 21 of 1,612,776 alleles (0.0013%); highest among the groups gnomAD compares: South Asian, 0.011%; no homozygotes.

Submissions (4):

Labcorp Genetics (formerly Invitae), Labcorp
Classification: Likely benign for Tuberous sclerosis 2. Last evaluated: 2025-12-13. Review status: criteria provided, single submitter. Criteria: Invitae Variant Classification Sherloc (09022015). Collection method: clinical testing. Allele origin: germline.

Myriad Genetics, Inc.
Classification: Benign for Tuberous sclerosis 2. Last evaluated: 2025-06-09. Review status: criteria provided, single submitter. Criteria: Myriad Autosomal Dominant, Autosomal Recessive and X-Linked Classification Criteria (2023). Collection method: clinical testing. Allele origin: unknown.
Comment: This variant is considered benign. This variant is a silent/synonymous amino acid change and it is not expected to impact splicing.

All of Us Research Program, National Institutes of Health
Classification: Likely benign for Tuberous sclerosis syndrome. Last evaluated: 2024-05-14. Review status: criteria provided, single submitter. Criteria: ACMG Guidelines, 2015. Collection method: clinical testing. Allele origin: germline. Inheritance: Autosomal dominant inheritance. Observed: 3 variant alleles, 3 heterozygotes.
Comment: This study involves interpretation of variants in research participants for the purpose of population health screening. Participant phenotype was not available at the time of variant classification. Additional details can be found in publication PMID: 35346344, PMCID: PMC8962531

Ambry Genetics
Classification: Likely benign for Hereditary cancer-predisposing syndrome. Last evaluated: 2020-12-03. Review status: criteria provided, single submitter. Criteria: Ambry Variant Classification Scheme 2023. Collection method: clinical testing. Allele origin: germline.

NM_000548.5(TSC2):c.5328C>T (p.Ala1776=)

Gene: TSC2 (TSC complex subunit 2; plus strand). Cytogenetic location: 16p13.3.
Variant type: single nucleotide variant.
Coding change: c.5328C>T on transcript NM_000548.5 (MANE Select); coding-DNA position 5328, C replaced by T.
Protein change: p.Ala1776=; no amino-acid change (alanine 1776 retained).
Molecular consequence: synonymous variant.
Genome position (GRCh38, 1-based): chr16:2,088,514, C>T. VCF-style: chr16-2088514-C-T. GRCh37 (hg19) VCF-style: chr16-2138515-C-T.
Other names: c.5127C>T, p.Ala1709= (NM_001077183.3); c.5259C>T, p.Ala1753= (NM_001114382.3); c.5019C>T, p.Ala1673= (NM_001318827.2); c.4983C>T, p.Ala1661= (NM_001318829.2); c.4596C>T, p.Ala1532= (NM_001318831.2); c.5160C>T, p.Ala1720= (NM_001318832.2); c.5130C>T, p.Ala1710= (NM_001363528.2); c.5196C>T, p.Ala1732= (NM_001370404.1); and 2 more.
Identifiers: ClinVar variation 704130 (VCV000704130.17), dbSNP rs757292336, ClinGen allele CA055117.